The following is an entry in ClinVar:

NM_001105206.3(LAMA4):c.1777C>T (p.His593Tyr)

Gene: LAMA4 (laminin subunit alpha 4; minus strand). Cytogenetic location: 6q21.
Variant type: single nucleotide variant.
Coding change: c.1777C>T on transcript NM_001105206.3 (MANE Select); coding-DNA position 1777, C replaced by T.
Protein change: p.His593Tyr; replaces histidine 593 with tyrosine.
Molecular consequence: missense variant.
Genome position (GRCh38, 1-based): chr6:112,158,772, G>A on the plus strand (C>T on the coding strand, the complement: LAMA4 is on the minus strand). VCF-style: chr6-112158772-G-A. GRCh37 (hg19) VCF-style: chr6-112479974-G-A.
Other names: c.1756C>T, p.His586Tyr (NM_001105207.3, NM_002290.5); c.1756C>T (NM_002290.4); short protein forms H593Y, H586Y.
Identifiers: ClinVar variation 2178125 (VCV002178125.7), dbSNP rs572986326, ClinGen allele CA3965685.

ClinVar aggregate classification (germline): Conflicting classifications of pathogenicity. Review status: criteria provided, conflicting classifications (1 of 4 stars). 4 submissions from 4 submitters: Uncertain significance (1); Likely benign (3). Last evaluated 2026-09-17.

Conditions:
Cardiovascular phenotype. Identifiers: MedGen CN230736.
Dilated cardiomyopathy 1JJ (CMD1JJ). Identifiers: Orphanet 154, MedGen C3808935, MONDO:0014095, OMIM 615235.
LAMA4-related disorder. Also called: LAMA4-related condition.

Allele frequency attached by ClinVar (database versions not stated): gnomAD 0.00004; ExAC 0.00021; 1000 Genomes Project 30x 0.00031; 1000 Genomes Project 0.00040.
gnomAD v4.1: 158 of 1,613,752 alleles (0.0098%); highest among the groups gnomAD compares: South Asian, 0.17%; 3 homozygotes.

Submissions (4):

PreventionGenetics, part of Exact Sciences
Classification: Likely benign for LAMA4-related condition. Last evaluated: 2026-09-17. Review status: criteria provided, single submitter. Criteria: ACMG Guidelines, 2015. Collection method: clinical testing. Allele origin: germline.
Comment: This variant is classified as likely benign based on ACMG/AMP sequence variant interpretation guidelines (Richards et al. 2015 PMID: 25741868, with internal and published modifications).

Ambry Genetics
Classification: Likely benign for Cardiovascular phenotype. Last evaluated: 2023-12-07. Review status: criteria provided, single submitter. Criteria: Ambry Variant Classification Scheme 2023. Collection method: clinical testing. Allele origin: germline.

GeneDx
Classification: Uncertain significance. Last evaluated: 2022-11-30. Review status: criteria provided, single submitter. Criteria: GeneDx Variant Classification Process June 2021. Collection method: clinical testing. Allele origin: germline. Affected: yes.
Comment: In silico analysis supports that this missense variant has a deleterious effect on protein structure/function; Has not been previously published as pathogenic or benign to our knowledge

Labcorp Genetics (formerly Invitae), Labcorp
Classification: Likely benign for Dilated cardiomyopathy 1JJ. Last evaluated: 2022-04-09. Review status: criteria provided, single submitter. Criteria: Invitae Variant Classification Sherloc (09022015). Collection method: clinical testing. Allele origin: germline.